The following is an entry in ClinVar:

ClinVar aggregate classification (germline): Likely benign. Review status: criteria provided, multiple submitters, no conflicts (2 of 4 stars). 2 submissions from 2 submitters: Likely benign (2). Last evaluated 2025-07-26.

Conditions:
ALG1-congenital disorder of glycosylation. Also called: CONGENITAL DISORDER OF GLYCOSYLATION, TYPE Ik; CDG Ik; ALG1-CDG. Identifiers: Orphanet 79327, MedGen C2931005, MONDO:0012052, OMIM 608540.

Allele frequency attached by ClinVar (database versions not stated): TOPMed below 0.00001.

Submissions (2):

Mayo Clinic Laboratories, Mayo Clinic
Classification: Likely benign. Last evaluated: 2025-07-26. Review status: criteria provided, single submitter. Criteria: ACMG Guidelines, 2015. Collection method: clinical testing. Allele origin: germline. Observed: 2 variant alleles.
Comment: BP4, BP7

Labcorp Genetics (formerly Invitae), Labcorp
Classification: Likely benign for ALG1-congenital disorder of glycosylation. Last evaluated: 2023-12-29. Review status: criteria provided, single submitter. Criteria: Invitae Variant Classification Sherloc (09022015). Collection method: clinical testing. Allele origin: germline.

NM_019109.5(ALG1):c.1329G>A (p.Glu443=)

Genes: ALG1 (ALG1 chitobiosyldiphosphodolichol beta-mannosyltransferase; plus strand), EEF2KMT (eukaryotic elongation factor 2 lysine methyltransferase; minus strand). Cytogenetic location: 16p13.3.
Variant type: single nucleotide variant.
Coding change: c.1329G>A on transcript NM_019109.5 (MANE Select); coding-DNA position 1329, G replaced by A.
Protein change: p.Glu443=; no amino-acid change (glutamic acid 443 retained).
Molecular consequence: synonymous variant. On other transcripts: 3 prime UTR variant (3).
Genome position (GRCh38, 1-based): chr16:5,084,815, G>A. VCF-style: chr16-5084815-G-A. GRCh37 (hg19) VCF-style: chr16-5134816-G-A.
Other names: p.Glu443=; c.*817C>T (NM_001289029.2, NM_201400.4, NM_201598.4); c.996G>A, p.Glu332= (NM_001330504.2).
Identifiers: ClinVar variation 2779476 (VCV002779476.4), dbSNP rs1063203, ClinGen allele CA277165756.